The following is an entry in ClinVar:

NM_178000.3(PTPA):c.840C>T (p.Ala280=)

Gene: PTPA (protein phosphatase 2 phosphatase activator; plus strand). Cytogenetic location: 9q34.11.
Variant type: single nucleotide variant.
Coding change: c.840C>T on transcript NM_178000.3 (MANE Select); coding-DNA position 840, C replaced by T.
Protein change: p.Ala280=; no amino-acid change (alanine 280 retained).
Molecular consequence: synonymous variant.
Genome position (GRCh38, 1-based): chr9:129,142,498, C>T. VCF-style: chr9-129142498-C-T. GRCh37 (hg19) VCF-style: chr9-131904777-C-T.
Other names: c.735C>T, p.Ala245= (NM_001193397.2); c.753C>T, p.Ala251= (NM_001271832.2); c.840C>T, p.Ala280= (NM_021131.5); c.945C>T, p.Ala315= (NM_178001.3); c.714C>T, p.Ala238= (NM_178003.3).
Identifiers: ClinVar variation 731186 (VCV000731186.17), dbSNP rs11554659, ClinGen allele CA5276314.
Genomic context (GRCh38, chr9:129,142,498, plus strand): 5'-TTTTCAGATGAAGACTGGCCCATTTGCAGAGCACTCCAACCAGCTGTGGAACATCAGCGC[C>T]GTCCCTTCCTGGTCCAAAGTGAACCAGGGTCTCATCCGCATGTATAAGGCCGAGGTGAGT-3'
Protein context (NP_821067.1, residues 270-290): EHSNQLWNIS[Ala280=]VPSWSKVNQG

ClinVar aggregate classification (germline): Benign/Likely benign. Review status: criteria provided, multiple submitters, no conflicts (2 of 4 stars). 3 submissions from 3 submitters: Benign (2); Likely benign (1). Last evaluated 2026-08-01.

Allele frequency attached by ClinVar (database versions not stated): ESP Exome Variant Server 0.00361; gnomAD 0.00379 and 0.00278; TOPMed 0.00400; 1000 Genomes Project 30x 0.00094; 1000 Genomes Project 0.00100; gnomAD exomes 0.00281 and 0.00346; ExAC 0.00320.
gnomAD v4.1: 4,796 of 1,612,260 alleles (0.3%); highest among the groups gnomAD compares: Middle Eastern, 2.4%; 44 homozygotes.

Submissions (3):

CeGaT Center for Human Genetics Tuebingen
Classification: Likely benign. Last evaluated: 2026-08-01. Review status: criteria provided, single submitter. Criteria: CeGaT Center For Human Genetics Tuebingen Variant Classification Criteria Version 2. Collection method: clinical testing. Allele origin: germline. Affected: yes. Observed: 5 variant alleles.
Comment: PTPA: BP4, BP7, BS2

Labcorp Genetics (formerly Invitae), Labcorp
Classification: Benign. Last evaluated: 2018-07-20. Review status: criteria provided, single submitter. Criteria: Invitae Variant Classification Sherloc (09022015). Collection method: clinical testing. Allele origin: germline.

Breakthrough Genomics
Classification: Benign. Review status: criteria provided, single submitter. Criteria: ACMG Guidelines, 2015. Collection method: not provided. Allele origin: germline. Inheritance: Unknown mechanism. Affected: yes.